The following is an entry in ClinVar:

NM_001033044.4(GLUL):c.134G>A (p.Arg45Gln)

Gene: GLUL (glutamate-ammonia ligase; minus strand). Cytogenetic location: 1q25.3.
Variant type: single nucleotide variant.
Coding change: c.134G>A on transcript NM_001033044.4 (MANE Select); coding-DNA position 134, G replaced by A.
Protein change: p.Arg45Gln; replaces arginine 45 with glutamine.
Molecular consequence: missense variant.
Genome position (GRCh38, 1-based): chr1:182,388,604, C>T on the plus strand (G>A on the coding strand, the complement: GLUL is on the minus strand). VCF-style: chr1-182388604-C-T. GRCh37 (hg19) VCF-style: chr1-182357739-C-T.
Other names: c.134G>A, p.Arg45Gln (NM_001033056.4, NM_002065.7); short protein forms R45Q.
Identifiers: ClinVar variation 1498402 (VCV001498402.8), dbSNP rs903093400, ClinGen allele CA33833579.

ClinVar aggregate classification (germline): Uncertain significance (1 of 4 stars; one submission).

Conditions:
Congenital brain dysgenesis due to glutamine synthetase deficiency (GLND). Also called: GLUTAMINE SYNTHASE DEFICIENCY, CONGENITAL SYSTEMIC. Identifiers: Orphanet 71278, MedGen C1864910, MONDO:0012393, OMIM 610015.

Allele frequency attached by ClinVar (database versions not stated): gnomAD exomes below 0.00001; TOPMed 0.00001.

Submission:

Labcorp Genetics (formerly Invitae), Labcorp
Classification: Uncertain significance for Congenital brain dysgenesis due to glutamine synthetase deficiency. Last evaluated: 2020-12-08. Review status: criteria provided, single submitter. Criteria: Invitae Variant Classification Sherloc (09022015). Collection method: clinical testing. Allele origin: germline.
Comment: This sequence change replaces arginine with glutamine at codon 45 of the GLUL protein (p.Arg45Gln). The arginine residue is highly conserved and there is a small physicochemical difference between arginine and glutamine. This variant is not present in population databases (ExAC no frequency). This variant has not been reported in the literature in individuals with GLUL-related conditions. Algorithms developed to predict the effect of missense changes on protein structure and function are either unavailable or do not agree on the potential impact of this missense change (SIFT: "Deleterious"; PolyPhen-2: "Benign"; Align-GVGD: "Class C35"). In summary, the available evidence is currently insufficient to determine the role of this variant in disease. Therefore, it has been classified as a Variant of Uncertain Significance.